The following is an entry in ClinVar:

ClinVar aggregate classification (germline): Benign/Likely benign. Review status: criteria provided, multiple submitters, no conflicts (2 of 4 stars). 6 submissions from 6 submitters: Benign (1); Likely benign (5). Last evaluated 2026-01-31.

Conditions:
Autoinflammatory syndrome. Identifiers: Orphanet 93665, MedGen C3890737, MONDO:0019751.
Inborn genetic diseases. Identifiers: MedGen C0950123, MeSH D030342.
Chédiak-Higashi syndrome (CHS). Also called: Chediak-Higashi Syndrome. Identifiers: Orphanet 167, MedGen C0007965, MONDO:0008963, OMIM 214500.

Allele frequency attached by ClinVar (database versions not stated): gnomAD exomes 0.00022 and 0.00065; ExAC 0.00078; ESP Exome Variant Server 0.00238; gnomAD 0.00253 and 0.00276; TOPMed 0.00278; 1000 Genomes Project 0.00379; 1000 Genomes Project 30x 0.00437.
gnomAD v4.1: 721 of 1,613,820 alleles (0.045%); highest among the groups gnomAD compares: African/African-American, 0.85%; 3 homozygotes.

Submissions (6):

Labcorp Genetics (formerly Invitae), Labcorp
Classification: Likely benign for Chédiak-Higashi syndrome. Last evaluated: 2026-01-31. Review status: criteria provided, single submitter. Criteria: Invitae Variant Classification Sherloc (09022015). Collection method: clinical testing. Allele origin: germline.

Blueprint Genetics
Classification: Likely benign. Last evaluated: 2024-09-23. Review status: criteria provided, single submitter. Criteria: ACMG Guidelines, 2015. Collection method: clinical testing. Allele origin: germline.

Mayo Clinic Laboratories, Mayo Clinic
Classification: Benign. Last evaluated: 2024-02-27. Review status: criteria provided, single submitter. Criteria: ACMG Guidelines, 2015. Collection method: clinical testing. Allele origin: germline. Observed: 4 variant alleles.
Comment: BS1, BS2, BP4, PP2

Ambry Genetics
Classification: Likely benign for Inborn genetic diseases. Last evaluated: 2022-05-25. Review status: criteria provided, single submitter. Criteria: Ambry Variant Classification Scheme 2023. Collection method: clinical testing. Allele origin: germline.

Illumina Laboratory Services, Illumina
Classification: Likely benign for Chédiak-Higashi syndrome. Last evaluated: 2018-01-13. Review status: criteria provided, single submitter. Criteria: ICSL Variant Classification Criteria 13 December 2019. Collection method: clinical testing. Allele origin: germline.
Comment: This variant was observed in the ICSL laboratory as part of a predisposition screen in an ostensibly healthy population. It had not been previously curated by ICSL or reported in the Human Gene Mutation Database (HGMD: prior to June 1st, 2018), and was therefore a candidate for classification through an automated scoring system. Utilizing variant allele frequency, disease prevalence and penetrance estimates, and inheritance mode, an automated score was calculated to assess if this variant is too frequent to cause the disease. Based on the score and internal cut-off values, a variant classified as likely benign is not then subjected to further curation. The score for this variant resulted in a classification of likely benign for this disease.

Genome Diagnostics Laboratory, The Hospital for Sick Children
Classification: Likely benign for Autoinflammatory syndrome. Last evaluated: 2016-12-12. Review status: criteria provided, single submitter. Criteria: ACMG Guidelines, 2015. Collection method: clinical testing. Allele origin: germline. Affected: yes.

NM_000081.4(LYST):c.1384C>T (p.Pro462Ser)

Gene: LYST (lysosomal trafficking regulator; minus strand). Cytogenetic location: 1q42.3.
Variant type: single nucleotide variant.
Coding change: c.1384C>T on transcript NM_000081.4 (MANE Select); coding-DNA position 1384, C replaced by T.
Protein change: p.Pro462Ser; replaces proline 462 with serine.
Molecular consequence: missense variant.
Genome position (GRCh38, 1-based): chr1:235,809,434, G>A on the plus strand (C>T on the coding strand, the complement: LYST is on the minus strand). VCF-style: chr1-235809434-G-A. GRCh37 (hg19) VCF-style: chr1-235972734-G-A.
Other names: p.Pro462Ser; c.1384C>T (NM_000081.2); c.1384C>T, p.Pro462Ser (NM_001301365.1); short protein forms P462S.
Identifiers: ClinVar variation 454481 (VCV000454481.21), dbSNP rs77848653, ClinGen allele CA1467479.